The following is an entry in ClinVar:

NM_004268.5(MED17):c.201G>T (p.Ala67=)

Genes: MED17 (mediator complex subunit 17; plus strand), LOC130006596 (ATAC-STARR-seq lymphoblastoid silent region 3840; plus strand). Cytogenetic location: 11q21.
Variant type: single nucleotide variant.
Coding change: c.201G>T on transcript NM_004268.5 (MANE Select); coding-DNA position 201, G replaced by T.
Protein change: p.Ala67=; no amino-acid change (alanine 67 retained).
Molecular consequence: synonymous variant.
Genome position (GRCh38, 1-based): chr11:93,784,714, G>T. VCF-style: chr11-93784714-G-T. GRCh37 (hg19) VCF-style: chr11-93517880-G-T.
Identifiers: ClinVar variation 743057 (VCV000743057.13), dbSNP rs200765332, ClinGen allele CA6232262.

ClinVar aggregate classification (germline): Likely benign. Review status: criteria provided, single submitter (1 of 4 stars). 3 submissions from 3 submitters: Likely benign (1). 2 of the submissions do not count toward it. Last evaluated 2026-01-19.

Conditions:
MED17-related disorder. Also called: MED17-related condition.
Infantile cerebral and cerebellar atrophy with postnatal progressive microcephaly (MSBA). Identifiers: Orphanet 402364, MedGen C3150921, MONDO:0013351, OMIM 613668.

Allele frequency attached by ClinVar (database versions not stated): gnomAD exomes 0.00006 and 0.00014; ESP Exome Variant Server 0.00024; ExAC 0.00026; gnomAD 0.00045 and 0.00049; TOPMed 0.00053; 1000 Genomes Project 30x 0.00062; 1000 Genomes Project 0.00080.
gnomAD v4.1: 146 of 1,547,744 alleles (0.0094%); highest among the groups gnomAD compares: African/African-American, 0.18%; no homozygotes.

Submissions (3):

Labcorp Genetics (formerly Invitae), Labcorp
Classification: Likely benign. Last evaluated: 2026-01-19. Review status: criteria provided, single submitter. Criteria: Invitae Variant Classification Sherloc (09022015). Collection method: clinical testing. Allele origin: germline.

PreventionGenetics, part of Exact Sciences
Classification: Likely benign for MED17-related condition. Last evaluated: 2024-02-27. Review status: no assertion criteria provided. Collection method: clinical testing. Allele origin: germline. Not counted in ClinVar's aggregate classification.
Comment: This variant is classified as likely benign based on ACMG/AMP sequence variant interpretation guidelines (Richards et al. 2015 PMID: 25741868, with internal and published modifications).

Natera, Inc.
Classification: Uncertain significance for Postnatal progressive microcephaly with seizures and brain atrophy. Last evaluated: 2020-04-17. Review status: no assertion criteria provided. Collection method: clinical testing. Allele origin: germline. Not counted in ClinVar's aggregate classification.